The following is an entry in ClinVar:

ClinVar aggregate classification (germline): Likely benign. Review status: criteria provided, multiple submitters, no conflicts (2 of 4 stars). 2 submissions from 2 submitters: Likely benign (2). Last evaluated 2021-02-24.

Conditions:
Hereditary cancer-predisposing syndrome. Also called: Tumor predisposition; Hereditary neoplastic syndrome; Neoplastic Syndromes, Hereditary; Hereditary Cancer Syndrome. Identifiers: Orphanet 140162, MedGen C0027672, MeSH D009386, MONDO:0015356.

Allele frequency attached by ClinVar (database versions not stated): gnomAD exomes below 0.00001.
gnomAD v4.1: 2 of 1,614,246 alleles (0.00012%); highest among the groups gnomAD compares: Non-Finnish European, 0.00017%; no homozygotes.

Submissions (2):

Ambry Genetics
Classification: Likely benign for Hereditary cancer-predisposing syndrome. Last evaluated: 2021-02-24. Review status: criteria provided, single submitter. Criteria: Ambry Variant Classification Scheme 2023. Collection method: clinical testing. Allele origin: germline.

GeneDx
Classification: Likely benign. Last evaluated: 2016-03-07. Review status: criteria provided, single submitter. Criteria: GeneDx Variant Classification (06012015). Collection method: clinical testing. Allele origin: germline. Affected: yes.
Comment: This variant is considered likely benign or benign based on one or more of the following criteria: it is a conservative change, it occurs at a poorly conserved position in the protein, it is predicted to be benign by multiple in silico algorithms, and/or has population frequency not consistent with disease.

NM_005431.2(XRCC2):c.502T>C (p.Leu168=)

Gene: XRCC2 (X-ray repair cross complementing 2; minus strand). Cytogenetic location: 7q36.1.
Variant type: single nucleotide variant.
Coding change: c.502T>C on transcript NM_005431.2 (MANE Select); coding-DNA position 502, T replaced by C.
Protein change: p.Leu168=; no amino-acid change (leucine 168 retained).
Molecular consequence: synonymous variant.
Genome position (GRCh38, 1-based): chr7:152,648,983, A>G on the plus strand (T>C on the coding strand, the complement: XRCC2 is on the minus strand). VCF-style: chr7-152648983-A-G. GRCh37 (hg19) VCF-style: chr7-152346068-A-G.
Identifiers: ClinVar variation 379203 (VCV000379203.3), dbSNP rs1057520526, ClinGen allele CA16605767.